The following is an entry in ClinVar:

NM_001943.5(DSG2):c.1771T>C (p.Cys591Arg)

Gene: DSG2 (desmoglein 2; plus strand). Cytogenetic location: 18q12.1.
Variant type: single nucleotide variant.
Coding change: c.1771T>C on transcript NM_001943.5 (MANE Select); coding-DNA position 1771, T replaced by C.
Protein change: p.Cys591Arg; replaces cysteine 591 with arginine.
Molecular consequence: missense variant.
Genome position (GRCh38, 1-based): chr18:31,538,870, T>C. VCF-style: chr18-31538870-T-C. GRCh37 (hg19) VCF-style: chr18-29118833-T-C.
Other names: short protein forms C591R.
Identifiers: ClinVar variation 3070888 (VCV003070888.2), dbSNP rs2073248469, ClinGen allele CA402137582.

ClinVar aggregate classification (germline): Uncertain significance. Review status: criteria provided, multiple submitters, no conflicts (2 of 4 stars). 2 submissions from 2 submitters: Uncertain significance (2). Last evaluated 2024-10-27.

Conditions:
Arrhythmogenic right ventricular cardiomyopathy (ARVD). Also called: Arrhythmogenic right ventricular dysplasia; Cardiomyopathy, ARVC; Arrhythmogenic cardiomyopathy; Arrhythmogenic Right Ventricular Cardiomyopathy (ARVC). Identifiers: Orphanet 247, MedGen C0349788, MeSH D019571, MONDO:0016587. Disease mechanism: loss of function. Inheritance: Various modes of inheritance.
Cardiovascular phenotype. Identifiers: MedGen CN230736.

Allele frequency attached by ClinVar (database versions not stated): gnomAD exomes below 0.00001; TOPMed below 0.00001.
gnomAD v4.1: 6 of 1,614,172 alleles (0.00037%); highest among the groups gnomAD compares: Non-Finnish European, 0.00051%; no homozygotes.

Submissions (2):

Ambry Genetics
Classification: Uncertain significance for Cardiovascular phenotype. Last evaluated: 2024-10-27. Review status: criteria provided, single submitter. Criteria: Ambry Variant Classification Scheme 2023. Collection method: clinical testing. Allele origin: germline.
Comment: The p.C591R variant (also known as c.1771T>C), located in coding exon 12 of the DSG2 gene, results from a T to C substitution at nucleotide position 1771. The cysteine at codon 591 is replaced by arginine, an amino acid with highly dissimilar properties. This amino acid position is conserved. In addition, this alteration is predicted to be deleterious by in silico analysis. Based on the available evidence, the clinical significance of this variant remains unclear.

All of Us Research Program, National Institutes of Health
Classification: Uncertain significance for Arrhythmogenic right ventricular cardiomyopathy. Last evaluated: 2023-05-04. Review status: criteria provided, single submitter. Criteria: ACMG Guidelines, 2015. Collection method: clinical testing. Allele origin: germline. Inheritance: Autosomal dominant inheritance. Observed: 1 variant allele, 1 heterozygote.
Comment: This missense variant replaces cysteine with arginine at codon 591 of the DSG2 protein. Computational prediction is inconclusive regarding the impact of this variant on protein structure and function (internally defined REVEL score threshold 0.5 < inconclusive < 0.7, PMID: 27666373). To our knowledge, functional studies have not been reported for this variant. This variant has not been reported in individuals affected with DSG2-related disorders in the literature. This variant has not been identified in the general population by the Genome Aggregation Database (gnomAD). The available evidence is insufficient to determine the role of this variant in disease conclusively. Therefore, this variant is classified as a Variant of Uncertain Significance.

This study involves interpretation of variants in research participants for the purpose of population health screening. Participant phenotype was not available at the time of variant classification. Additional details can be found in publication PMID: 35346344, PMCID: PMC8962531